The following is an entry in ClinVar:

NM_000548.5(TSC2):c.4124C>T (p.Ser1375Phe)

Gene: TSC2 (TSC complex subunit 2; plus strand). Cytogenetic location: 16p13.3.
Variant type: single nucleotide variant.
Coding change: c.4124C>T on transcript NM_000548.5 (MANE Select); coding-DNA position 4124, C replaced by T.
Protein change: p.Ser1375Phe; replaces serine 1375 with phenylalanine.
Molecular consequence: missense variant.
Genome position (GRCh38, 1-based): chr16:2,084,346, C>T. VCF-style: chr16-2084346-C-T. GRCh37 (hg19) VCF-style: chr16-2134347-C-T.
Other names: c.4124C>T (NM_000548.4); c.3923C>T, p.Ser1308Phe (NM_001077183.3); c.4055C>T, p.Ser1352Phe (NM_001114382.3); c.3815C>T, p.Ser1272Phe (NM_001318827.2); c.3779C>T, p.Ser1260Phe (NM_001318829.2); c.3392C>T, p.Ser1131Phe (NM_001318831.2); c.3956C>T, p.Ser1319Phe (NM_001318832.2); c.3926C>T, p.Ser1309Phe (NM_001363528.2); and 2 more; short protein forms S1375F, S1332F, S1260F, S1308F, S1309F, S1319F, S1331F, S1272F.
Identifiers: ClinVar variation 577422 (VCV000577422.15), dbSNP rs145476528, ClinGen allele CA276753293.

ClinVar aggregate classification (germline): Conflicting classifications of pathogenicity. Review status: criteria provided, conflicting classifications (1 of 4 stars). 5 submissions from 5 submitters: Uncertain significance (4); Benign (1). Last evaluated 2025-10-13.

Conditions:
Hereditary cancer-predisposing syndrome. Also called: Hereditary neoplastic syndrome; Tumor predisposition; Hereditary Cancer Syndrome; Neoplastic Syndromes, Hereditary. Identifiers: Orphanet 140162, MedGen C0027672, MeSH D009386, MONDO:0015356.
TSC2-related disorder. Also called: TSC2-Related Disorders; TSC2-related condition.
Tuberous sclerosis 2 (TSC2). Identifiers: Orphanet 805, MedGen C1860707, MONDO:0013199, OMIM 613254.
Isolated focal cortical dysplasia type II (FCORD2). Also called: Focal cortical dysplasia type II; CORTICAL DYSPLASIA OF TAYLOR. Identifiers: Orphanet 268994, MedGen C1846385, MONDO:0011818, OMIM 607341, HP:0032051.
Lymphangiomyomatosis (LAM). Also called: Lymphangioleiomyomatosis; Lymphangioleiomyomatosis, somatic. Identifiers: Orphanet 538, MedGen C0751674, MONDO:0011705, OMIM 606690.

Allele frequency attached by ClinVar (database versions not stated): gnomAD below 0.00001 and 0.00001; gnomAD exomes below 0.00001; ESP Exome Variant Server 0.00008.
gnomAD v4.1: 1 of 1,612,614 alleles (0.000062%); highest among the groups gnomAD compares: South Asian, 0.0011%; no homozygotes.

Submissions (5):

Labcorp Genetics (formerly Invitae), Labcorp
Classification: Benign for Tuberous sclerosis 2. Last evaluated: 2025-10-13. Review status: criteria provided, single submitter. Criteria: Invitae Variant Classification Sherloc (09022015). Collection method: clinical testing. Allele origin: germline.

Ambry Genetics
Classification: Uncertain significance for Hereditary cancer-predisposing syndrome. Last evaluated: 2024-02-20. Review status: criteria provided, single submitter. Criteria: Ambry Variant Classification Scheme 2023. Collection method: clinical testing. Allele origin: germline.
Comment: The p.S1375F variant (also known as c.4124C>T), located in coding exon 33 of the TSC2 gene, results from a C to T substitution at nucleotide position 4124. The serine at codon 1375 is replaced by phenylalanine, an amino acid with highly dissimilar properties. This amino acid position is conserved. In addition, the in silico prediction for this alteration is inconclusive. Based on the available evidence, the clinical significance of this alteration remains unclear.

GeneDx
Classification: Uncertain significance. Last evaluated: 2023-11-13. Review status: criteria provided, single submitter. Criteria: GeneDx Variant Classification Process June 2021. Collection method: clinical testing. Allele origin: germline. Affected: yes.
Comment: In silico analysis supports that this missense variant has a deleterious effect on protein structure/function; Has not been previously published as pathogenic or benign to our knowledge

PreventionGenetics, part of Exact Sciences
Classification: Uncertain significance for TSC2-related condition. Last evaluated: 2023-10-11. Review status: criteria provided, single submitter. Criteria: ACMG Guidelines, 2015. Collection method: clinical testing. Allele origin: germline.
Comment: The TSC2 c.4124C>T variant is predicted to result in the amino acid substitution p.Ser1375Phe. To our knowledge, this variant has not been reported in the literature. This variant is reported in 0.0062% of alleles in individuals of African descent in gnomAD. It has conflicting interpretations of benign and uncertain significance in ClinVar. At this time, the clinical significance of this variant is uncertain due to the absence of conclusive functional and genetic evidence.

Fulgent Genetics
Classification: Uncertain significance for Lymphangiomyomatosis; Isolated focal cortical dysplasia type II; Tuberous sclerosis 2. Last evaluated: 2022-02-08. Review status: criteria provided, single submitter. Criteria: ACMG Guidelines, 2015. Collection method: clinical testing. Allele origin: unknown.